The following is an entry in ClinVar:

ClinVar aggregate classification (germline): Likely benign (1 of 4 stars; one submission).

Submission:

CeGaT Center for Human Genetics Tuebingen
Classification: Likely benign. Last evaluated: 2025-03-01. Review status: criteria provided, single submitter. Criteria: CeGaT Center For Human Genetics Tuebingen Variant Classification Criteria Version 2. Collection method: clinical testing. Allele origin: germline. Affected: yes. Observed: 6 variant alleles.
Comment: PHLPP1: BP4, BP7

NM_194449.4(PHLPP1):c.99A>C (p.Ala33=)

Gene: PHLPP1 (PH domain and leucine rich repeat protein phosphatase 1; plus strand). Cytogenetic location: 18q21.33.
Variant type: single nucleotide variant.
Coding change: c.99A>C on transcript NM_194449.4 (MANE Select); coding-DNA position 99, A replaced by C.
Protein change: p.Ala33=; no amino-acid change (alanine 33 retained).
Molecular consequence: synonymous variant.
Genome position (GRCh38, 1-based): chr18:62,715,782, A>C. VCF-style: chr18-62715782-A-C. GRCh37 (hg19) VCF-style: chr18-60383015-A-C.
Identifiers: ClinVar variation 2648787 (VCV002648787.24), dbSNP rs2511769046, ClinGen allele CA504306164.